The following is an entry in ClinVar:

NM_005198.5(CHKB):c.365T>C (p.Met122Thr)

Genes: CHKB (choline kinase beta; minus strand), CHKB-CPT1B (CHKB-CPT1B readthrough (NMD candidate); minus strand). Cytogenetic location: 22q13.33.
Variant type: single nucleotide variant.
Coding change: c.365T>C on transcript NM_005198.5 (MANE Select); coding-DNA position 365, T replaced by C.
Protein change: p.Met122Thr; replaces methionine 122 with threonine.
Molecular consequence: missense variant. On other transcripts: non-coding transcript variant (1).
Genome position (GRCh38, 1-based): chr22:50,581,831, A>G on the plus strand (T>C on the coding strand, the complement: CHKB is on the minus strand). VCF-style: chr22-50581831-A-G. GRCh37 (hg19) VCF-style: chr22-51020260-A-G.
Other names: short protein forms M122T.
Identifiers: ClinVar variation 1520758 (VCV001520758.5), dbSNP rs754126452, ClinGen allele CA10323795.

ClinVar aggregate classification (germline): Uncertain significance (1 of 4 stars; one submission).

Conditions:
Megaconial type congenital muscular dystrophy (MDCMC). Also called: CHKB-Related Muscle Diseases; MUSCULAR DYSTROPHY, CONGENITAL, WITH MITOCHONDRIAL STRUCTURAL ABNORMALITIES; CHKB-Related Muscular Dystrophy. Identifiers: Orphanet 280671, MedGen C1865233, MONDO:0011246, OMIM 602541.

Allele frequency attached by ClinVar (database versions not stated): gnomAD exomes 0.00002 and 0.00003; ExAC 0.00004.

Submission:

Labcorp Genetics (formerly Invitae), Labcorp
Classification: Uncertain significance for Megaconial type congenital muscular dystrophy. Last evaluated: 2022-03-02. Review status: criteria provided, single submitter. Criteria: Invitae Variant Classification Sherloc (09022015). Collection method: clinical testing. Allele origin: germline.
Comment: This sequence change replaces methionine, which is neutral and non-polar, with threonine, which is neutral and polar, at codon 122 of the CHKB protein (p.Met122Thr). This variant is present in population databases (rs754126452, gnomAD 0.005%). This variant has not been reported in the literature in individuals affected with CHKB-related conditions. Algorithms developed to predict the effect of missense changes on protein structure and function are either unavailable or do not agree on the potential impact of this missense change (SIFT: "Tolerated"; PolyPhen-2: "Probably Damaging"; Align-GVGD: "Class C0"). In summary, the available evidence is currently insufficient to determine the role of this variant in disease. Therefore, it has been classified as a Variant of Uncertain Significance.